The following is an entry in ClinVar:

NM_015178.3(RHOBTB2):c.1490G>T (p.Gly497Val)

Gene: RHOBTB2 (Rho related BTB domain containing 2; plus strand). Cytogenetic location: 8p21.3.
Variant type: single nucleotide variant.
Coding change: c.1490G>T on transcript NM_015178.3 (MANE Select); coding-DNA position 1490, G replaced by T.
Protein change: p.Gly497Val; replaces glycine 497 with valine.
Molecular consequence: missense variant.
Genome position (GRCh38, 1-based): chr8:23,007,735, G>T. VCF-style: chr8-23007735-G-T. GRCh37 (hg19) VCF-style: chr8-22865248-G-T.
Other names: c.1556G>T, p.Gly519Val (NM_001160036.2); c.1511G>T, p.Gly504Val (NM_001160037.2); c.1490G>T, p.Gly497Val (NM_001374791.1); short protein forms G519V, G504V, G497V.
Identifiers: ClinVar variation 4751951 (VCV004751951.1).
Genomic context (GRCh38, chr8:23,007,735, plus strand): 5'-AGATCACCAAGGCCTTCCACGTCCGCCGGACCAACCGGGTTAAGGAGTGCTTGGCAAAAG[G>T]CACCTTCTCAGGTATGGAACAGGCTTGGAAAGCAAGGGGGTTCTGCATTGGTGCTATTAG-3'
Protein context (NP_055993.2, residues 487-507): TNRVKECLAK[Gly497Val]TFSDVTFILD

ClinVar aggregate classification (germline): Uncertain significance (1 of 4 stars; one submission).

gnomAD v4.1: 2 of 1,613,414 alleles (0.00012%); highest among the groups gnomAD compares: African/African-American, 0.0013%; no homozygotes.

Submission:

Labcorp Genetics (formerly Invitae), Labcorp
Classification: Uncertain significance. Last evaluated: 2025-11-25. Review status: criteria provided, single submitter. Criteria: Invitae Variant Classification Sherloc (09022015). Collection method: clinical testing. Allele origin: germline.
Comment: This sequence change replaces glycine, which is neutral and non-polar, with valine, which is neutral and non-polar, at codon 519 of the RHOBTB2 protein (p.Gly519Val). This variant is not present in population databases (gnomAD no frequency). This variant has not been reported in the literature in individuals affected with RHOBTB2-related conditions. Invitae Evidence Modeling of protein sequence and biophysical properties (such as structural, functional, and spatial information, amino acid conservation, physicochemical variation, residue mobility, and thermodynamic stability) indicates that this missense variant is not expected to disrupt RHOBTB2 protein function with a negative predictive value of 80%. In summary, the available evidence is currently insufficient to determine the role of this variant in disease. Therefore, it has been classified as a Variant of Uncertain Significance.